The following is an entry in ClinVar:

NM_005529.7(HSPG2):c.12982G>A (p.Ala4328Thr)

Genes: HSPG2 (heparan sulfate proteoglycan 2; minus strand), LDLRAD2 (low density lipoprotein receptor class A domain containing 2; plus strand). Cytogenetic location: 1p36.12.
Variant type: single nucleotide variant.
Coding change: c.12982G>A on transcript NM_005529.7 (MANE Select); coding-DNA position 12982, G replaced by A.
Protein change: p.Ala4328Thr; replaces alanine 4328 with threonine.
Molecular consequence: missense variant. On other transcripts: 3 prime UTR variant (1).
Genome position (GRCh38, 1-based): chr1:21,823,637, C>T on the plus strand (G>A on the coding strand, the complement: HSPG2 is on the minus strand). VCF-style: chr1-21823637-C-T. GRCh37 (hg19) VCF-style: chr1-22150130-C-T.
Other names: c.12985G>A, p.Ala4329Thr (NM_001291860.2); c.*1422C>T (NM_001013693.3); short protein forms A4328T, A4329T.
Identifiers: ClinVar variation 282934 (VCV000282934.60), dbSNP rs114015043, ClinGen allele CA669191.

ClinVar aggregate classification (germline): Benign/Likely benign. Review status: criteria provided, multiple submitters, no conflicts (2 of 4 stars). 14 submissions from 13 submitters: Benign (1); Likely benign (9). 4 of the submissions do not count toward it. Last evaluated 2026-09-01.

Conditions:
HSPG2-related disorder. Also called: HSPG2-related condition; HSPG2-related disorders.
Connective tissue disorder. Also called: Connective tissue disease. Identifiers: MedGen C0009782, MONDO:0003900.
Schwartz-Jampel syndrome. Also called: Myotonic myopathy dwarfism chondrodystrophy and ocular and facial abnormalities. Identifiers: Orphanet 800, MedGen C0036391, MONDO:0009717.
Lethal Kniest-like syndrome (DDSH). Also called: Dyssegmental Dysplasia. Identifiers: Orphanet 1865, MedGen C1857100, MONDO:0009140, OMIM 224410.

Allele frequency attached by ClinVar (database versions not stated): 1000 Genomes Project 0.00120; 1000 Genomes Project 30x 0.00125; ExAC 0.00214; gnomAD exomes 0.00233 and 0.00360; gnomAD 0.00254; TOPMed 0.00259; ESP Exome Variant Server 0.00315.
gnomAD v4.1: 5,599 of 1,613,698 alleles (0.35%); highest among the groups gnomAD compares: Non-Finnish European, 0.44%; 15 homozygotes.

Submissions (14):

CeGaT Center for Human Genetics Tuebingen
Classification: Likely benign. Last evaluated: 2026-09-01. Review status: criteria provided, single submitter. Criteria: CeGaT Center For Human Genetics Tuebingen Variant Classification Criteria Version 2. Collection method: clinical testing. Allele origin: germline. Affected: yes. Observed: 20 variant alleles.
Comment: HSPG2: BP4, BS2

Labcorp Genetics (formerly Invitae), Labcorp
Classification: Likely benign. Last evaluated: 2026-01-15. Review status: criteria provided, single submitter. Criteria: Invitae Variant Classification Sherloc (09022015). Collection method: clinical testing. Allele origin: germline.

Blueprint Genetics
Classification: Likely benign. Last evaluated: 2024-11-21. Review status: criteria provided, single submitter. Criteria: ACMG Guidelines, 2015. Collection method: clinical testing. Allele origin: germline.

ARUP Laboratories, Molecular Genetics and Genomics, ARUP Laboratories
Classification: Likely benign. Last evaluated: 2023-08-18. Review status: criteria provided, single submitter. Criteria: ARUP Molecular Germline Variant Investigation Process 2024. Collection method: clinical testing. Allele origin: germline.

Genome Diagnostics Laboratory, The Hospital for Sick Children
Classification: Likely benign for Connective tissue disorder. Last evaluated: 2021-05-18. Review status: criteria provided, single submitter. Criteria: ACMG Guidelines, 2015. Collection method: clinical testing. Allele origin: germline.

Illumina Laboratory Services, Illumina
Classification: Likely benign for Schwartz-Jampel syndrome type 1. Last evaluated: 2018-01-12. Review status: criteria provided, single submitter. Criteria: ICSL Variant Classification Criteria 13 December 2019. Collection method: clinical testing. Allele origin: germline.
Comment: This variant was observed in the ICSL laboratory as part of a predisposition screen in an ostensibly healthy population. It had not been previously curated by ICSL or reported in the Human Gene Mutation Database (HGMD: prior to June 1st, 2018), and was therefore a candidate for classification through an automated scoring system. Utilizing variant allele frequency, disease prevalence and penetrance estimates, and inheritance mode, an automated score was calculated to assess if this variant is too frequent to cause the disease. Based on the score and internal cut-off values, a variant classified as likely benign is not then subjected to further curation. The score for this variant resulted in a classification of likely benign for this disease.

Illumina Laboratory Services, Illumina
Classification: Likely benign for Lethal Kniest-like syndrome. Last evaluated: 2018-01-12. Review status: criteria provided, single submitter. Criteria: ICSL Variant Classification Criteria 13 December 2019. Collection method: clinical testing. Allele origin: germline.
Comment: the same text as in the submission from Illumina Laboratory Services, Illumina above.

Athena Diagnostics
Classification: Benign. Last evaluated: 2017-04-10. Review status: criteria provided, single submitter. Criteria: Athena Diagnostics Criteria. Collection method: clinical testing. Allele origin: germline.

Eurofins Ntd Llc (ga)
Classification: Likely benign. Last evaluated: 2015-09-24. Review status: criteria provided, single submitter. Criteria: EGL Classification Definitions 2015. Collection method: clinical testing. Allele origin: germline. Observed: 1 variant allele, 1 heterozygote.

Breakthrough Genomics
Classification: Likely benign. Review status: criteria provided, single submitter. Criteria: ACMG Guidelines, 2015. Collection method: not provided. Allele origin: germline. Inheritance: Autosomal recessive inheritance. Affected: yes.

PreventionGenetics, part of Exact Sciences
Classification: Likely benign for HSPG2-related condition. Last evaluated: 2022-08-23. Review status: no assertion criteria provided. Collection method: clinical testing. Allele origin: germline. Not counted in ClinVar's aggregate classification.
Comment: This variant is classified as likely benign based on ACMG/AMP sequence variant interpretation guidelines (Richards et al. 2015 PMID: 25741868, with internal and published modifications).

Department of Pathology and Laboratory Medicine, Sinai Health System
Classification: Likely benign. Review status: no assertion criteria provided. Collection method: clinical testing. Allele origin: unknown. Affected: yes. Study: The Canadian Open Genetics Repository (COGR). Not counted in ClinVar's aggregate classification.
Comment: The HSPG2 p.Ala4329Thr variant was not identified in the literature but was identified in dbSNP (ID: rs114015043), LOVD 3.0 and ClinVar (classified as uncertain significance by Illumina, as likely benign by EGL Genetic Diagnostics and Invitae, and as benign by Athena Diagnostics). The variant was identified in control databases in 653 of 282252 chromosomes (1 homozygous) at a frequency of 0.002314 increasing the likelihood this could be a low frequency benign variant (Genome Aggregation Database March 6, 2019, v2.1.1). The variant was observed in the following populations: European (non-Finnish) in 551 of 128660 chromosomes (freq: 0.004283), Other in 17 of 7216 chromosomes (freq: 0.002356), Latino in 59 of 35424 chromosomes (freq: 0.001666), African in 14 of 24922 chromosomes (freq: 0.000562), South Asian in 8 of 30616 chromosomes (freq: 0.000261), European (Finnish) in 3 of 25104 chromosomes (freq: 0.00012) and Ashkenazi Jewish in 1 of 10362 chromosomes (freq: 0.000097), but was not observed in the East Asian population. The p.Ala4329 residue is not conserved in mammals and computational analyses (PolyPhen-2, SIFT, AlignGVGD, BLOSUM, MutationTaster) do not suggest a high likelihood of impact to the protein; however, this information is not predictive enough to rule out pathogenicity. The variant occurs outside of the splicing consensus sequence and in silico or computational prediction software programs (SpliceSiteFinder, MaxEntScan, NNSPLICE, GeneSplicer) do not predict a difference in splicing. In summary, based on the above information the clinical significance of this variant cannot be determined with certainty at this time although we would lean towards a more benign role for this variant. This variant is classified as likely benign.

Genome Diagnostics Laboratory, University Medical Center Utrecht
Classification: Likely benign. Review status: no assertion criteria provided. Collection method: clinical testing. Allele origin: germline. Affected: yes. Study: VKGL Data-share Consensus. Not counted in ClinVar's aggregate classification.

Laboratory of Diagnostic Genome Analysis, Leiden University Medical Center (LUMC)
Classification: Likely benign. Review status: no assertion criteria provided. Collection method: clinical testing. Allele origin: germline. Affected: yes. Study: VKGL Data-share Consensus. Not counted in ClinVar's aggregate classification.